The following is an entry in ClinVar:

ClinVar aggregate classification (germline): Uncertain significance (1 of 4 stars; one submission).

gnomAD v4.1: 3 of 1,197,751 alleles (0.00025%); highest among the groups gnomAD compares: Non-Finnish European, 0.00034%; no homozygotes.

Submission:

Labcorp Genetics (formerly Invitae), Labcorp
Classification: Uncertain significance. Last evaluated: 2024-10-06. Review status: criteria provided, single submitter. Criteria: Invitae Variant Classification Sherloc (09022015). Collection method: clinical testing. Allele origin: germline.
Comment: This sequence change replaces arginine, which is basic and polar, with histidine, which is basic and polar, at codon 2569 of the HUWE1 protein (p.Arg2569His). This variant is not present in population databases (gnomAD no frequency). This variant has not been reported in the literature in individuals affected with HUWE1-related conditions. Invitae Evidence Modeling of protein sequence and biophysical properties (such as structural, functional, and spatial information, amino acid conservation, physicochemical variation, residue mobility, and thermodynamic stability) indicates that this missense variant is expected to disrupt HUWE1 protein function with a positive predictive value of 95%. In summary, the available evidence is currently insufficient to determine the role of this variant in disease. Therefore, it has been classified as a Variant of Uncertain Significance.

NM_031407.7(HUWE1):c.7706G>A (p.Arg2569His)

Gene: HUWE1 (HECT, UBA and WWE domain containing E3 ubiquitin protein ligase 1; minus strand). Cytogenetic location: Xp11.22.
Variant type: single nucleotide variant.
Coding change: c.7706G>A on transcript NM_031407.7 (MANE Select); coding-DNA position 7706, G replaced by A.
Protein change: p.Arg2569His; replaces arginine 2569 with histidine.
Molecular consequence: missense variant.
Genome position (GRCh38, 1-based): chrX:53,560,218, C>T on the plus strand (G>A on the coding strand, the complement: HUWE1 is on the minus strand). VCF-style: chrX-53560218-C-T. GRCh37 (hg19) VCF-style: chrX-53587179-C-T.
Other names: short protein forms R2569H.
Identifiers: ClinVar variation 3634922 (VCV003634922.2).
Genomic context (GRCh38, chrX:53,560,218, plus strand): 5'-CGATGAATCCAACAGATCTCTGTAACTCACCTCTGCAGTATAAGAGGAGGGTTGGGCTGG[C>T]GATTCCCAGGGTAGTGAACATGAATGGTGTGGCCAGTATTGGCCGTCAGCTGCCTTAGGG-3'
Protein context (NP_113584.3, residues 2559-2579): HTIHVHYPGN[Arg2569His]QPNPPLILQR